The following is an entry in ClinVar:

NM_001001557.4(GDF6):c.535C>A (p.Pro179Thr)

Gene: GDF6 (growth differentiation factor 6; minus strand). Cytogenetic location: 8q22.1.
Variant type: single nucleotide variant.
Coding change: c.535C>A on transcript NM_001001557.4 (MANE Select); coding-DNA position 535, C replaced by A.
Protein change: p.Pro179Thr; replaces proline 179 with threonine.
Molecular consequence: missense variant.
Genome position (GRCh38, 1-based): chr8:96,145,396, G>T on the plus strand (C>A on the coding strand, the complement: GDF6 is on the minus strand). VCF-style: chr8-96145396-G-T. GRCh37 (hg19) VCF-style: chr8-97157624-G-T.
Other names: short protein forms P179T.
Identifiers: ClinVar variation 2922148 (VCV002922148.3), dbSNP rs2487831056, ClinGen allele CA371752477.
Genomic context (GRCh38, chr8:96,145,396, plus strand): 5'-CGTCCAGCAGTAGGGGCGAAAGGCAAGGGAAGAGCTGCACGTGGAGCGGCCCGGCTGGTG[G>T]CCCCCAGGGCGCTGAGGGCGCCTGGCGAAAGAGCCGCAGCTCCGCGCCCACCAGCTCTTC-3'
Protein context (NP_001001557.1, residues 169-189): FRQAPSAPWG[Pro179Thr]PAGPLHVQLF

ClinVar aggregate classification (germline): Uncertain significance (1 of 4 stars; one submission).

Conditions:
Microphthalmia, isolated, with coloboma 6 (MCOPCB6). Also called: Microphthalmia with coloboma 6, digenic; Microphthalmia with coloboma 6; MICROPHTHALMIA/COLOBOMA 6. Identifiers: Orphanet 98938, MedGen C3150968, MONDO:0013376, OMIM 613703.
Leber congenital amaurosis 17 (LCA17). Identifiers: Orphanet 65, MedGen C3715164, MONDO:0014145, OMIM 615360.
Klippel-Feil syndrome 1, autosomal dominant (KFS1). Also called: CERVICAL VERTEBRAL FUSION, AUTOSOMAL DOMINANT. Identifiers: Orphanet 2345, MedGen C1861689, MONDO:0007306, OMIM 118100.
Isolated microphthalmia 4. Identifiers: Orphanet 2542, MedGen C2751307, MONDO:0013130, OMIM 613094.

Allele frequency attached by ClinVar (database versions not stated): gnomAD exomes below 0.00001.
gnomAD v4.1: 3 of 1,579,260 alleles (0.00019%); highest among the groups gnomAD compares: Non-Finnish European, 0.00026%; no homozygotes.

Submission:

Labcorp Genetics (formerly Invitae), Labcorp
Classification: Uncertain significance for Isolated microphthalmia 4; Leber congenital amaurosis 17; Klippel-Feil syndrome 1, autosomal dominant; Microphthalmia, isolated, with coloboma 6. Last evaluated: 2024-01-12. Review status: criteria provided, single submitter. Criteria: Invitae Variant Classification Sherloc (09022015). Collection method: clinical testing. Allele origin: germline.
Comment: This sequence change replaces proline, which is neutral and non-polar, with threonine, which is neutral and polar, at codon 179 of the GDF6 protein (p.Pro179Thr). This variant is not present in population databases (gnomAD no frequency). This variant has not been reported in the literature in individuals affected with GDF6-related conditions. Advanced modeling of protein sequence and biophysical properties (such as structural, functional, and spatial information, amino acid conservation, physicochemical variation, residue mobility, and thermodynamic stability) performed at Invitae indicates that this missense variant is not expected to disrupt GDF6 protein function with a negative predictive value of 80%. In summary, the available evidence is currently insufficient to determine the role of this variant in disease. Therefore, it has been classified as a Variant of Uncertain Significance.